The following is an entry in ClinVar:

ClinVar aggregate classification (germline): Uncertain significance (1 of 4 stars; one submission).

Conditions:
Primary familial hypertrophic cardiomyopathy (HCM). Identifiers: Orphanet 99739, MedGen C0949658, MeSH D024741, MONDO:0024573. Inheritance: Various modes of inheritance.

Submission:

Labcorp Genetics (formerly Invitae), Labcorp
Classification: Uncertain significance for Primary familial hypertrophic cardiomyopathy. Last evaluated: 2020-10-08. Review status: criteria provided, single submitter. Criteria: Invitae Variant Classification Sherloc (09022015). Collection method: clinical testing. Allele origin: germline.
Comment: This variant has not been reported in the literature in individuals with ILK-related conditions. This variant is not present in population databases (ExAC no frequency). This sequence change replaces arginine with glycine at codon 59 of the ILK protein (p.Arg59Gly). The arginine residue is highly conserved and there is a moderate physicochemical difference between arginine and glycine. Algorithms developed to predict the effect of missense changes on protein structure and function (SIFT, PolyPhen-2, Align-GVGD) all suggest that this variant is likely to be disruptive, but these predictions have not been confirmed by published functional studies and their clinical significance is uncertain. In summary, the available evidence is currently insufficient to determine the role of this variant in disease. Therefore, it has been classified as a Variant of Uncertain Significance.

NM_004517.4(ILK):c.175C>G (p.Arg59Gly)

Genes: TAF10 (TATA-box binding protein associated factor 10; minus strand), ILK (integrin linked kinase; plus strand). Cytogenetic location: 11p15.4.
Variant type: single nucleotide variant.
Coding change: c.175C>G on transcript NM_004517.4 (MANE Select); coding-DNA position 175, C replaced by G.
Protein change: p.Arg59Gly; replaces arginine 59 with glycine.
Molecular consequence: missense variant. On other transcripts: 3 prime UTR variant (1), intron variant (1).
Genome position (GRCh38, 1-based): chr11:6,608,131, C>G. VCF-style: chr11-6608131-C-G. GRCh37 (hg19) VCF-style: chr11-6629361-C-G.
Other names: c.175C>G, p.Arg59Gly (NM_001014794.3, NM_001014795.3, NM_001278441.2); c.*2791G>C (NM_006284.4); c.-147-263C>G (NM_001278442.2); short protein forms R59G.
Identifiers: ClinVar variation 1015492 (VCV001015492.9), dbSNP rs779428507, ClinGen allele CA379455093.